The following is an entry in ClinVar:

NM_001267550.2(TTN):c.107554T>A (p.Ser35852Thr)

Genes: TTN-AS1 (TTN antisense RNA 1; plus strand), TTN (titin; minus strand). Cytogenetic location: 2q31.2.
Variant type: single nucleotide variant.
Coding change: c.107554T>A on transcript NM_001267550.2 (MANE Select); coding-DNA position 107554, T replaced by A.
Protein change: p.Ser35852Thr; replaces serine 35852 with threonine.
Molecular consequence: missense variant.
Genome position (GRCh38, 1-based): chr2:178,527,572, A>T on the plus strand (T>A on the coding strand, the complement: TTN is on the minus strand). VCF-style: chr2-178527572-A-T. GRCh37 (hg19) VCF-style: chr2-179392299-A-T.
Other names: c.102631T>A, p.Ser34211Thr (NM_001256850.1); c.80359T>A, p.Ser26787Thr (NM_003319.4); c.99850T>A, p.Ser33284Thr (NM_133378.4); c.80734T>A, p.Ser26912Thr (NM_133432.3); c.80935T>A, p.Ser26979Thr (NM_133437.4); short protein forms S26787T, S33284T, S34211T, S26912T, S26979T, S35852T.
Identifiers: ClinVar variation 4790608 (VCV004790608.1).

ClinVar aggregate classification (germline): Uncertain significance (1 of 4 stars; one submission).

Conditions:
Autosomal recessive limb-girdle muscular dystrophy type 2J (LGMDR10). Also called: Limb-girdle muscular dystrophy, type 2J; MUSCULAR DYSTROPHY, LIMB-GIRDLE, AUTOSOMAL RECESSIVE 10. Identifiers: Orphanet 140922, MedGen C1837342, MONDO:0012127, OMIM 608807.
Dilated cardiomyopathy 1G (CMD1G). Identifiers: Orphanet 154, MedGen C1858763, MONDO:0011400, OMIM 604145.

Submission:

Labcorp Genetics (formerly Invitae), Labcorp
Classification: Uncertain significance for Dilated cardiomyopathy 1G; Autosomal recessive limb-girdle muscular dystrophy type 2J. Last evaluated: 2025-04-09. Review status: criteria provided, single submitter. Criteria: Invitae Variant Classification Sherloc (09022015). Collection method: clinical testing. Allele origin: germline.
Comment: This sequence change replaces serine, which is neutral and polar, with threonine, which is neutral and polar, at codon 35852 of the TTN protein (p.Ser35852Thr). This variant is not present in population databases (gnomAD no frequency). This variant has not been reported in the literature in individuals affected with TTN-related conditions. Experimental studies and prediction algorithms are not available or were not evaluated, and the functional significance of this variant is currently unknown. This variant is located in the M band of TTN (PMID: 25589632). Non-truncating variants in this region may be relevant for neuromuscular disorders, but have not been definitively shown to cause cardiomyopathy (PMID: 23975875). In summary, the available evidence is currently insufficient to determine the role of this variant in disease. Therefore, it has been classified as a Variant of Uncertain Significance.

Literature cited by the submitters: PubMed 25589632; PubMed 23975875.